The following is an entry in ClinVar:

ClinVar aggregate classification (germline): Likely benign (1 of 4 stars; one submission).

Allele frequency attached by ClinVar (database versions not stated): ExAC 0.00002; gnomAD 0.00002; TOPMed 0.00010.
gnomAD v4.1: 30 of 1,613,640 alleles (0.0019%); highest among the groups gnomAD compares: Middle Eastern, 0.033%; no homozygotes.

Submission:

CeGaT Center for Human Genetics Tuebingen
Classification: Likely benign. Last evaluated: 2023-05-01. Review status: criteria provided, single submitter. Criteria: CeGaT Center For Human Genetics Tuebingen Variant Classification Criteria Version 2. Collection method: clinical testing. Allele origin: germline. Affected: yes. Observed: 1 variant allele.
Comment: CSMD1: BP4, BP7

NM_033225.6(CSMD1):c.9843G>A (p.Pro3281=)

Genes: CSMD1 (CUB and Sushi multiple domains 1; minus strand), LOC105377785 (uncharacterized LOC105377785; plus strand). Cytogenetic location: 8p23.2.
Variant type: single nucleotide variant.
Coding change: c.9843G>A on transcript NM_033225.6 (MANE Select); coding-DNA position 9843, G replaced by A.
Protein change: p.Pro3281=; no amino-acid change (proline 3281 retained).
Molecular consequence: synonymous variant.
Genome position (GRCh38, 1-based): chr8:2,955,740, C>T on the plus strand (G>A on the coding strand, the complement: CSMD1 is on the minus strand). VCF-style: chr8-2955740-C-T. GRCh37 (hg19) VCF-style: chr8-2813262-C-T.
Identifiers: ClinVar variation 2571306 (VCV002571306.27), dbSNP rs759034746, ClinGen allele CA4604977.
Genomic context (GRCh38, chr8:2,955,740, plus strand): 5'-GGTGTACACTAAGGTGTAGCCGAAAGTAGGAAGATCGATGGCTCTCACATCCGCGTGTGC[C>T]GGGGTTTCTGGCTGTCTGCAGGCATGAGCTGAAACAACATTAGGAAACATTGAGACTTTG-3'
Protein context (NP_150094.5, residues 3271-3291): IPHACRQPET[Pro3281=]AHADVRAIDL